The following is an entry in ClinVar:

NM_001127255.2(NLRP7):c.2325G>A (p.Pro775=)

Genes: NCR1 (natural cytotoxicity triggering receptor 1), NLRP7 (NLR family pyrin domain containing 7; minus strand). Cytogenetic location: 19q13.42.
Variant type: single nucleotide variant.
Coding change: c.2325G>A on transcript NM_001127255.2 (MANE Select); coding-DNA position 2325, G replaced by A.
Protein change: p.Pro775=; no amino-acid change (proline 775 retained).
Molecular consequence: synonymous variant.
Genome position (GRCh38, 1-based): chr19:54,934,635, C>T on the plus strand (G>A on the coding strand, the complement: NLRP7 is on the minus strand). VCF-style: chr19-54934635-C-T. GRCh37 (hg19) VCF-style: chr19-55446003-C-T.
Other names: c.2325G>A, p.Pro775= (NM_001405531.1, NM_206828.4); c.2241G>A, p.Pro747= (NM_139176.4).
Identifiers: ClinVar variation 330162 (VCV000330162.8), dbSNP rs61744426, ClinGen allele CA310011378.

ClinVar aggregate classification (germline): Likely benign. Review status: criteria provided, multiple submitters, no conflicts (2 of 4 stars). 2 submissions from 2 submitters: Likely benign (2). Last evaluated 2018-01-12.

Conditions:
Hydatidiform mole, recurrent, 1 (HYDM1). Identifiers: Orphanet 254688, Orphanet 99927, MedGen C3463897, MONDO:0009273, OMIM 231090. Disease mechanism: loss of function.

Allele frequency attached by ClinVar (database versions not stated): gnomAD 0.01567 and 0.01696; 1000 Genomes Project 30x 0.01905; ESP Exome Variant Server 0.01953; 1000 Genomes Project 0.01737; TOPMed 0.01877; gnomAD exomes 0.00446; ExAC 0.00559.
gnomAD v4.1: 5,044 of 1,613,622 alleles (0.31%); highest among the groups gnomAD compares: African/African-American, 5.7%; 153 homozygotes.

Submissions (2):

Illumina Laboratory Services, Illumina
Classification: Likely benign for Hydatidiform mole, recurrent, 1. Last evaluated: 2018-01-12. Review status: criteria provided, single submitter. Criteria: ICSL Variant Classification Criteria 13 December 2019. Collection method: clinical testing. Allele origin: germline.
Comment: This variant was observed in the ICSL laboratory as part of a predisposition screen in an ostensibly healthy population. It had not been previously curated by ICSL or reported in the Human Gene Mutation Database (HGMD: prior to June 1st, 2018), and was therefore a candidate for classification through an automated scoring system. Utilizing variant allele frequency, disease prevalence and penetrance estimates, and inheritance mode, an automated score was calculated to assess if this variant is too frequent to cause the disease. Based on the score and internal cut-off values, a variant classified as likely benign is not then subjected to further curation. The score for this variant resulted in a classification of likely benign for this disease.

Breakthrough Genomics
Classification: Likely benign. Review status: criteria provided, single submitter. Criteria: ACMG Guidelines, 2015. Collection method: not provided. Allele origin: germline. Inheritance: Autosomal recessive inheritance. Affected: yes.